The following is an entry in ClinVar:

NM_001082486.2(ACD):c.902C>G (p.Ser301Cys)

Gene: ACD (ACD shelterin complex subunit and telomerase recruitment factor; minus strand). Cytogenetic location: 16q22.1.
Variant type: single nucleotide variant.
Coding change: c.902C>G on transcript NM_001082486.2 (MANE Select); coding-DNA position 902, C replaced by G.
Protein change: p.Ser301Cys; replaces serine 301 with cysteine.
Molecular consequence: missense variant.
Genome position (GRCh38, 1-based): chr16:67,658,290, G>C on the plus strand (C>G on the coding strand, the complement: ACD is on the minus strand). VCF-style: chr16-67658290-G-C. GRCh37 (hg19) VCF-style: chr16-67692193-G-C.
Other names: c.815C>G, p.Ser272Cys (NM_001410884.1); c.893C>G, p.Ser298Cys (NM_022914.3); short protein forms S272C, S298C, S301C.
Identifiers: ClinVar variation 1736595 (VCV001736595.4), dbSNP rs532542932, ClinGen allele CA8114481.

ClinVar aggregate classification (germline): Uncertain significance. Review status: criteria provided, multiple submitters, no conflicts (2 of 4 stars). 2 submissions from 2 submitters: Uncertain significance (2). Last evaluated 2025-01-01.

Conditions:
Inborn genetic diseases. Identifiers: MedGen C0950123, MeSH D030342.
Dyskeratosis congenita, autosomal dominant 6 (DKCA6). Identifiers: Orphanet 3322, MedGen C4225284, MONDO:0014690, OMIM 616553.

Allele frequency attached by ClinVar (database versions not stated): ExAC 0.00001; gnomAD 0.00001; 1000 Genomes Project 30x 0.00016; 1000 Genomes Project 0.00020.

Submissions (2):

Labcorp Genetics (formerly Invitae), Labcorp
Classification: Uncertain significance for Dyskeratosis congenita, autosomal dominant 6. Last evaluated: 2025-01-01. Review status: criteria provided, single submitter. Criteria: Invitae Variant Classification Sherloc (09022015). Collection method: clinical testing. Allele origin: germline.
Comment: This sequence change replaces serine, which is neutral and polar, with cysteine, which is neutral and slightly polar, at codon 387 of the ACD protein (p.Ser387Cys). This variant is present in population databases (rs532542932, gnomAD 0.003%). This variant has not been reported in the literature in individuals affected with ACD-related conditions. ClinVar contains an entry for this variant (Variation ID: 1736595). Invitae Evidence Modeling of protein sequence and biophysical properties (such as structural, functional, and spatial information, amino acid conservation, physicochemical variation, residue mobility, and thermodynamic stability) has been performed for this missense variant. However, the output from this modeling did not meet the statistical confidence thresholds required to predict the impact of this variant on ACD protein function. In summary, the available evidence is currently insufficient to determine the role of this variant in disease. Therefore, it has been classified as a Variant of Uncertain Significance.

Ambry Genetics
Classification: Uncertain significance for Inborn genetic diseases. Last evaluated: 2022-09-26. Review status: criteria provided, single submitter. Criteria: Ambry Variant Classification Scheme 2023. Collection method: clinical testing. Allele origin: germline.
Comment: The p.S387C variant (also known as c.1160C>G), located in coding exon 10 of the ACD gene, results from a C to G substitution at nucleotide position 1160. The serine at codon 387 is replaced by cysteine, an amino acid with dissimilar properties. This amino acid position is conserved. In addition, this alteration is predicted to be tolerated by in silico analysis. Since supporting evidence is limited at this time, the clinical significance of this alteration remains unclear.